The following is an entry in ClinVar:

ClinVar aggregate classification (germline): Benign (1 of 4 stars; one submission).

Allele frequency attached by ClinVar (database versions not stated): TOPMed 0.00002; ExAC 0.00001.

Submission:

GeneDx
Classification: Benign. Last evaluated: 2014-06-23. Review status: criteria provided, single submitter. Criteria: GeneDx Variant Classification (06012015). Collection method: clinical testing. Allele origin: germline. Affected: yes.
Comment: This variant is considered likely benign or benign based on one or more of the following criteria: it is a conservative change, it occurs at a poorly conserved position in the protein, it is predicted to be benign by multiple in silico algorithms, and/or has population frequency not consistent with disease.

NM_144573.4(NEXN):c.-34C>A

Gene: NEXN (nexilin F-actin binding protein; plus strand). Cytogenetic location: 1p31.1.
Variant type: single nucleotide variant.
Coding change: c.-34C>A on transcript NM_144573.4 (MANE Select); 34 bases upstream of the start codon, C replaced by A.
Molecular consequence: 5 prime UTR variant.
Genome position (GRCh38, 1-based): chr1:77,916,073, C>A. VCF-style: chr1-77916073-C-A. GRCh37 (hg19) VCF-style: chr1-78381758-C-A.
Other names: c.-34C>A (NM_001172309.2).
Identifiers: ClinVar variation 201912 (VCV000201912.1), dbSNP rs758434911, ClinGen allele CA335377.